The following is an entry in ClinVar:

ClinVar aggregate classification (germline): Uncertain significance. Review status: reviewed by expert panel (3 of 4 stars). 2 submissions from 2 submitters: Uncertain significance (1). 1 of the submissions does not count toward it. Last evaluated 2025-05-02.

Conditions:
Hereditary thrombocytopenia and hematologic cancer predisposition syndrome. Identifiers: Orphanet 71290, MedGen CN281654, MONDO:0011071.
Hereditary thrombocytopenia and hematological cancer predisposition syndrome associated with RUNX1. Also called: Familial Platelet Disorder with Propensity to Acute Myelogenous Leukemia; Familial thrombocytopenia with propensity to acute myelogenous leukemia; RUNX1 Familial Platelet Disorder with Associated Myeloid Malignancies; PLATELET DISORDER, ASPIRIN-LIKE. Identifiers: Orphanet 71290, MedGen C1832388, MeSH C563324, MONDO:0100083, OMIM 601399.

Allele frequency attached by ClinVar (database versions not stated): gnomAD exomes below 0.00001; ExAC 0.00001; gnomAD 0.00001; 1000 Genomes Project 30x 0.00016; 1000 Genomes Project 0.00020.
gnomAD v4.1: 2 of 1,560,224 alleles (0.00013%); highest among the groups gnomAD compares: Admixed American, 0.0017%; no homozygotes.

Submissions (2):

ClinGen Myeloid Malignancy Variant Curation Expert Panel
Classification: Uncertain significance for Hereditary thrombocytopenia and hematologic cancer predisposition syndrome. Last evaluated: 2025-05-02. Review status: reviewed by expert panel. Criteria: ClinGen MyeloMalig ACMG Specifications v2. Collection method: curation. Allele origin: germline. Inheritance: Autosomal dominant inheritance.
Comment: NM_001754.5(RUNX1):c.91G>A (p.Val31Ile) is a missense variant which has a REVEL score < 0.50 (0.272) and a SpliceAI score ≤ 0.20 (0.04) (BP4). This variant has been reported in one proband meeting at least one of the RUNX1-phenotypic criteria (PS4_Supporting; PMID: 30103613). In summary, the clinical significance of this variant is uncertain. ACMG/AMP criteria applied, as specified by the Myeloid Malignancy Variant Curation Expert Panel for RUNX1: BP4, PS4_Supporting.

Labcorp Genetics (formerly Invitae), Labcorp
Classification: Uncertain significance for Hereditary thrombocytopenia and hematological cancer predisposition syndrome associated with RUNX1. Last evaluated: 2019-08-07. Review status: criteria provided, single submitter. Criteria: Invitae Variant Classification Sherloc (09022015). Collection method: clinical testing. Allele origin: germline. Not counted in ClinVar's aggregate classification.
Comment: Algorithms developed to predict the effect of missense changes on protein structure and function output the following: SIFT: "Tolerated"; PolyPhen-2: "Benign"; Align-GVGD: "Class C0". The isoleucine amino acid residue is found in multiple mammalian species, suggesting that this missense change does not adversely affect protein function. These predictions have not been confirmed by published functional studies and their clinical significance is uncertain. In summary, the available evidence is currently insufficient to determine the role of this variant in disease. Therefore, it has been classified as a Variant of Uncertain Significance. This variant has not been reported in the literature in individuals with RUNX1-related conditions. This variant is present in population databases (rs567408332, ExAC 0.009%). This sequence change replaces valine with isoleucine at codon 31 of the RUNX1 protein (p.Val31Ile). The valine residue is weakly conserved and there is a small physicochemical difference between valine and isoleucine.

NM_001754.5(RUNX1):c.91G>A (p.Val31Ile)

Gene: RUNX1 (RUNX family transcription factor 1; minus strand). Cytogenetic location: 21q22.12.
Variant type: single nucleotide variant.
Coding change: c.91G>A on transcript NM_001754.5 (MANE Select); coding-DNA position 91, G replaced by A.
Protein change: p.Val31Ile; replaces valine 31 with isoleucine.
Molecular consequence: missense variant.
Genome position (GRCh38, 1-based): chr21:34,892,931, C>T on the plus strand (G>A on the coding strand, the complement: RUNX1 is on the minus strand). VCF-style: chr21-34892931-C-T. GRCh37 (hg19) VCF-style: chr21-36265228-C-T.
Other names: NM_001754.5(RUNX1):c.91G>A; p.Val31Ile; short protein forms V31I.
Identifiers: ClinVar variation 964573 (VCV000964573.12), dbSNP rs567408332, ClinGen allele CA10014631.